The following is an entry in ClinVar:

NM_000088.4(COL1A1):c.995G>C (p.Gly332Ala)

Gene: COL1A1 (collagen type I alpha 1 chain; minus strand). Cytogenetic location: 17q21.33.
Variant type: single nucleotide variant.
Coding change: c.995G>C on transcript NM_000088.4 (MANE Select); coding-DNA position 995, G replaced by C.
Protein change: p.Gly332Ala; replaces glycine 332 with alanine.
Molecular consequence: missense variant.
Genome position (GRCh38, 1-based): chr17:50,196,162, C>G on the plus strand (G>C on the coding strand, the complement: COL1A1 is on the minus strand). VCF-style: chr17-50196162-C-G. GRCh37 (hg19) VCF-style: chr17-48273523-C-G.
Other names: short protein forms G332A.
Identifiers: ClinVar variation 3252985 (VCV003252985.1), dbSNP rs72645358.

ClinVar aggregate classification (germline): Pathogenic (1 of 4 stars; one submission).

Submission:

GeneDx
Classification: Pathogenic. Last evaluated: 2024-07-16. Review status: criteria provided, single submitter. Criteria: GeneDx Variant Classification Process June 2021. Collection method: clinical testing. Allele origin: germline. Affected: yes.
Comment: Occurs in the triple helical domain and replaces a glycine in a canonical Gly-X-Y repeat; missense substitution of a canonical glycine residue is expected to disrupt normal protein folding and function, and this is an established mechanism of disease (PMID: 34007986); In silico analysis supports that this missense variant has a deleterious effect on protein structure/function; Has not been previously published as pathogenic or benign to our knowledge; Not observed at significant frequency in large population cohorts (gnomAD); This variant is associated with the following publications: (PMID: 34007986, 29669177)